The following is an entry in ClinVar:

ClinVar aggregate classification (germline): Uncertain significance (1 of 4 stars; one submission).

Conditions:
Complex neurodevelopmental disorder. Identifiers: Orphanet 528084, MedGen C5568766, MONDO:0100038.

Submission:

GeneDx
Classification: Uncertain significance. Last evaluated: 2014-05-23. Review status: criteria provided, single submitter. Criteria: GeneDx Variant Classification (06012015). Collection method: clinical testing. Allele origin: germline. Affected: yes.
Comment: c.4610_4614delinsGCATC: p.Ile1537_Met1538delinsSerIle (I1537_M1538delinsSI) in exon 26 of the SCN2A gene (NM_021007.2). The normal sequence with the bases that are deleted in braces followed by the inserted bases in brackets is: AGCA{TCATG}[GCATC]ATCC.A variant of unknown significance has been identified in the SCN2A gene. The c.4610_4614delTCATGinsGCATC variant has not been published as a mutation, nor has it been reported as a benign polymorphism to our knowledge. The c.4610_4614delTCATGinsGCATC variant results in two missense changes, p.I1537S and p.M1538I. These two variants are present on the same chromosome (in cis).The I1537S missense change has not been published as a mutation, nor has it been reported as a benign polymorphism to our knowledge. It was not observed in approximately 6,500 individuals of European and African American ancestry in the NHLBI Exome Sequencing Project, indicating it is not a common benign variant in these populations. The I1537S variant is a non-conservative amino acid substitution, which is likely to impact secondary protein structure as these residues differ in polarity, charge, size and/or other properties. This substitution alters a conserved position in transmembrane segment S1 in the fourth homologous domain. In silico analysis predicts this variant is probably damaging to the protein structure/function.The M1538I missense change has not been published as a mutation, nor has it been reported as a benign polymorphism to our knowledge. It was not observed in approximately 6,500 individuals of European and African American ancestry in the NHLBI Exome Sequencing Project, indicating it is not a common benign variant in these populations. This substitution alters a conserved position in transmembrane segment S1 in the fourth homologous domain. However, the M1538I variant is a conservative amino acid substitution, which is not likely to impact secondary protein structure as these residues share similar properties. In silico analysis is inconsistent in its predictions as to whether or not the variant is damaging to the protein structure/function. Based on the currently available information, it is unclear whether the c.4610_4614delinsGCATC variant is a pathogenic mutation or a rare benign variant. The variant is found in INFANT-EPI panel(s).

NM_001040142.2(SCN2A):c.4610_4614delinsGCATC (p.Ile1537_Met1538delinsSerIle)

Gene: SCN2A (sodium voltage-gated channel alpha subunit 2; plus strand). Cytogenetic location: 2q24.3.
Variant type: Indel.
Coding change: c.4610_4614delinsGCATC on transcript NM_001040142.2 (MANE Select); coding-DNA positions 4610 to 4614, TCATG replaced by GCATC.
Protein change: p.Ile1537_Met1538delinsSerIle.
Molecular consequence: missense variant.
Genome position (GRCh38, 1-based): chr2:165,386,804-165,386,808, TCATG replaced by GCATC. VCF-style: chr2-165386804-TCATG-GCATC. GRCh37 (hg19) VCF-style: chr2-166243314-TCATG-GCATC.
Other names: c.4610_4614delinsGCATC, p.Ile1537_Met1538delinsSerIle (NM_001040143.2, NM_001371246.1, NM_001371247.1 and 1 more transcripts).
Identifiers: ClinVar variation 207078 (VCV000207078.3), dbSNP rs796053195, ClinGen allele CA318182.
Genomic context (GRCh38, chr2:165,386,804, plus strand): 5'-AGAACAAATTCCAAGGAATGGTCTTTGATTTTGTAACCAAACAAGTCTTTGATATCAGCA[TCATG>GCATC]ATCCTCATCTGCCTTAACATGGTCACCATGATGGTGGAAACCGATGACCAGAGTCAAGAA-3'